The following is an entry in ClinVar:

ClinVar aggregate classification (germline): Likely pathogenic (1 of 4 stars; one submission).

Submission:

CeGaT Center for Human Genetics Tuebingen
Classification: Likely pathogenic. Last evaluated: 2024-02-01. Review status: criteria provided, single submitter. Criteria: CeGaT Center For Human Genetics Tuebingen Variant Classification Criteria Version 2. Collection method: clinical testing. Allele origin: germline. Affected: yes. Observed: 1 variant allele.
Comment: PTCH1: PM2, PS2:Moderate, PP3, PS4:Supporting

NM_000264.5(PTCH1):c.1778C>G (p.Pro593Arg)

Genes: PTCH1 (patched 1; minus strand), LOC100507346 (uncharacterized LOC100507346; plus strand). Cytogenetic location: 9q22.32.
Variant type: single nucleotide variant.
Coding change: c.1778C>G on transcript NM_000264.5 (MANE Select); coding-DNA position 1778, C replaced by G.
Protein change: p.Pro593Arg; replaces proline 593 with arginine.
Molecular consequence: missense variant. On other transcripts: non-coding transcript variant (2).
Genome position (GRCh38, 1-based): chr9:95,469,882, G>C on the plus strand (C>G on the coding strand, the complement: PTCH1 is on the minus strand). VCF-style: chr9-95469882-G-C. GRCh37 (hg19) VCF-style: chr9-98232164-G-C.
Other names: c.1580C>G, p.Pro527Arg (NM_001083602.3); c.1775C>G, p.Pro592Arg (NM_001083603.3); c.1325C>G, p.Pro442Arg (NM_001083604.3, NM_001083605.3, NM_001083606.3 and 1 more transcripts); c.1622C>G, p.Pro541Arg (NM_001354918.2); short protein forms P442R, P527R, P541R, P592R, P593R.
Identifiers: ClinVar variation 1676125 (VCV001676125.33), dbSNP rs2118094139, ClinGen allele CA374116370.